The following is an entry in ClinVar:

NM_000038.6(APC):c.4474G>A (p.Ala1492Thr)

Gene: APC (APC regulator of Wnt signaling pathway; plus strand). Cytogenetic location: 5q22.2.
Variant type: single nucleotide variant.
Coding change: c.4474G>A on transcript NM_000038.6 (MANE Select); coding-DNA position 4474, G replaced by A.
Protein change: p.Ala1492Thr; replaces alanine 1492 with threonine.
Molecular consequence: missense variant.
Genome position (GRCh38, 1-based): chr5:112,840,068, G>A. VCF-style: chr5-112840068-G-A. GRCh37 (hg19) VCF-style: chr5-112175765-G-A.
Other names: c.4474G>A, p.Ala1492Thr (NM_001127510.3, NM_001354895.2); c.4420G>A, p.Ala1474Thr (NM_001127511.3); c.4528G>A, p.Ala1510Thr (NM_001354896.2); c.4504G>A, p.Ala1502Thr (NM_001354897.2); c.4399G>A, p.Ala1467Thr (NM_001354898.2); c.4390G>A, p.Ala1464Thr (NM_001354899.2); c.4351G>A, p.Ala1451Thr (NM_001354900.2); c.4297G>A, p.Ala1433Thr (NM_001354901.2); and 5 more; short protein forms A1474T, A1492T, A1366T, A1391T, A1464T, A1401T, A1433T, A1467T.
Identifiers: ClinVar variation 428179 (VCV000428179.22), dbSNP rs1114167611, ClinGen allele CA16031125.

ClinVar aggregate classification (germline): Uncertain significance. Review status: criteria provided, multiple submitters, no conflicts (2 of 4 stars). 4 submissions from 4 submitters: Uncertain significance (4). Last evaluated 2025-05-05.

Conditions:
Familial adenomatous polyposis 1 (FAP1). Also called: FAMILIAL ADENOMATOUS POLYPOSIS 1, ATTENUATED; POLYPOSIS, ADENOMATOUS INTESTINAL. Identifiers: MedGen C2713442, MONDO:0021056, OMIM 175100. Disease mechanism: loss of function.
Hereditary cancer-predisposing syndrome. Also called: Hereditary Cancer Syndrome; Neoplastic Syndromes, Hereditary; Hereditary neoplastic syndrome; Tumor predisposition. Identifiers: Orphanet 140162, MedGen C0027672, MeSH D009386, MONDO:0015356.

Allele frequency attached by ClinVar (database versions not stated): TOPMed below 0.00001.

Submissions (4):

Labcorp Genetics (formerly Invitae), Labcorp
Classification: Uncertain significance for Familial adenomatous polyposis 1. Last evaluated: 2025-05-05. Review status: criteria provided, single submitter. Criteria: Invitae Variant Classification Sherloc (09022015). Collection method: clinical testing. Allele origin: germline.
Comment: This sequence change replaces alanine, which is neutral and non-polar, with threonine, which is neutral and polar, at codon 1492 of the APC protein (p.Ala1492Thr). This variant is not present in population databases (gnomAD no frequency). This variant has not been reported in the literature in individuals affected with APC-related conditions. ClinVar contains an entry for this variant (Variation ID: 428179). Invitae Evidence Modeling of protein sequence and biophysical properties (such as structural, functional, and spatial information, amino acid conservation, physicochemical variation, residue mobility, and thermodynamic stability) indicates that this missense variant is not expected to disrupt APC protein function with a negative predictive value of 95%. In summary, the available evidence is currently insufficient to determine the role of this variant in disease. Therefore, it has been classified as a Variant of Uncertain Significance.

Ambry Genetics
Classification: Uncertain significance for Hereditary cancer-predisposing syndrome. Last evaluated: 2025-03-23. Review status: criteria provided, single submitter. Criteria: Ambry Variant Classification Scheme 2023. Collection method: clinical testing. Allele origin: germline.
Comment: The p.A1492T variant (also known as c.4474G>A), located in coding exon 15 of the APC gene, results from a G to A substitution at nucleotide position 4474. The alanine at codon 1492 is replaced by threonine, an amino acid with similar properties. This amino acid position is highly conserved in available vertebrate species. In addition, in silico predictors for this gene do not accurately predict pathogenicity. Missense alterations in APC are not a common cause of disease (Spier I et al. Genet Med. 2024 Feb;26(2):100992). Since supporting evidence is limited at this time, the clinical significance of this alteration remains unclear.

GeneDx
Classification: Uncertain significance. Last evaluated: 2019-09-23. Review status: criteria provided, single submitter. Criteria: GeneDx Variant Classification Process June 2021. Collection method: clinical testing. Allele origin: germline. Affected: yes.
Comment: Not observed in large population cohorts (Lek 2016); In silico analysis, which includes protein predictors and evolutionary conservation, supports that this variant does not alter protein structure/function; Has not been previously published as pathogenic or benign to our knowledge; This variant is associated with the following publications: (PMID: 30122538)

Color Diagnostics, LLC DBA Color Health
Classification: Uncertain significance for Hereditary cancer-predisposing syndrome. Last evaluated: 2019-09-19. Review status: criteria provided, single submitter. Criteria: ACMG Guidelines, 2015. Collection method: clinical testing. Allele origin: germline.
Comment: This missense variant replaces alanine with threonine at codon 1492 of the APC protein. Computational prediction tool suggests that this variant may not impact protein structure and function (internally defined REVEL score threshold ≤0.5, PMID: 27666373). Splice site prediction tools suggest that this variant may not impact RNA splicing. To our knowledge, functional studies have not been performed for this variant. This variant has not been reported in individuals affected with hereditary cancer in the literature. This variant has not been identified in the general population by the Genome Aggregation Database (gnomAD). The available evidence is insufficient to determine the role of this variant in disease conclusively. Therefore, this variant is classified as a Variant of Uncertain Significance.